The following is an entry in ClinVar:

NM_181458.4(PAX3):c.424G>T (p.Val142Phe)

Gene: PAX3 (paired box 3; minus strand). Cytogenetic location: 2q36.1.
Variant type: single nucleotide variant.
Coding change: c.424G>T on transcript NM_181458.4 (MANE Select); coding-DNA position 424, G replaced by T.
Protein change: p.Val142Phe; replaces valine 142 with phenylalanine.
Molecular consequence: missense variant.
Genome position (GRCh38, 1-based): chr2:222,295,555, C>A on the plus strand (G>T on the coding strand, the complement: PAX3 is on the minus strand). VCF-style: chr2-222295555-C-A. GRCh37 (hg19) VCF-style: chr2-223160274-C-A.
Other names: c.424G>T, p.Val142Phe (NM_000438.6, NM_013942.5, NM_181457.4 and 3 more transcripts); c.421G>T, p.Val141Phe (NM_001127366.3); short protein forms V141F, V142F.
Identifiers: ClinVar variation 1308584 (VCV001308584.2), dbSNP rs1193030438, ClinGen allele CA351113088.

ClinVar aggregate classification (germline): Uncertain significance (1 of 4 stars; one submission).

Allele frequency attached by ClinVar (database versions not stated): gnomAD 0.00001.
gnomAD v4.1: 1 of 1,614,100 alleles (0.000062%); highest among the groups gnomAD compares: Admixed American, 0.0017%; no homozygotes.

Submission:

GeneDx
Classification: Uncertain significance. Last evaluated: 2019-04-11. Review status: criteria provided, single submitter. Criteria: GeneDx Variant Classification Process June 2021. Collection method: clinical testing. Allele origin: germline. Affected: yes.
Comment: In silico analysis, which includes protein predictors and evolutionary conservation, supports a deleterious effect; Has not been previously published as pathogenic or benign to our knowledge